The following is an entry in ClinVar:

ClinVar aggregate classification (germline): Conflicting classifications of pathogenicity. Review status: criteria provided, conflicting classifications (1 of 4 stars). 2 submissions from 2 submitters: Uncertain significance (1); Likely benign (1). Last evaluated 2023-11-13.

Conditions:
Oculofaciocardiodental syndrome (MCOPS2). Identifiers: Orphanet 2712, MedGen C1846265, MONDO:0010261, OMIM 300166.

Allele frequency attached by ClinVar (database versions not stated): gnomAD exomes below 0.00001; TOPMed 0.00001.
gnomAD v4.1: 5 of 1,211,432 alleles (0.00041%); highest among the groups gnomAD compares: African/African-American, 0.0086%; no homozygotes.

Submissions (2):

Labcorp Genetics (formerly Invitae), Labcorp
Classification: Uncertain significance for Oculofaciocardiodental syndrome. Last evaluated: 2023-11-13. Review status: criteria provided, single submitter. Criteria: Invitae Variant Classification Sherloc (09022015). Collection method: clinical testing. Allele origin: germline.
Comment: This sequence change replaces proline, which is neutral and non-polar, with serine, which is neutral and polar, at codon 264 of the BCOR protein (p.Pro264Ser). This variant is not present in population databases (gnomAD no frequency). This variant has not been reported in the literature in individuals affected with BCOR-related conditions. ClinVar contains an entry for this variant (Variation ID: 1338252). An algorithm developed to predict the effect of missense changes on protein structure and function (PolyPhen-2) suggests that this variant is likely to be disruptive. In summary, the available evidence is currently insufficient to determine the role of this variant in disease. Therefore, it has been classified as a Variant of Uncertain Significance.

Genetic Services Laboratory, University of Chicago
Classification: Likely benign. Last evaluated: 2018-04-13. Review status: criteria provided, single submitter. Criteria: ACMG Guidelines, 2015. Collection method: clinical testing. Allele origin: germline. Affected: no.

NM_001123385.2(BCOR):c.790C>T (p.Pro264Ser)

Genes: BCOR (BCL6 corepressor; minus strand), LOC126863239 (MED14-independent group 3 enhancer GRCh37_chrX:39932994-39934193; plus strand). Cytogenetic location: Xp11.4.
Variant type: single nucleotide variant.
Coding change: c.790C>T on transcript NM_001123385.2 (MANE Select); coding-DNA position 790, C replaced by T.
Protein change: p.Pro264Ser; replaces proline 264 with serine.
Molecular consequence: missense variant.
Genome position (GRCh38, 1-based): chrX:40,074,556, G>A on the plus strand (C>T on the coding strand, the complement: BCOR is on the minus strand). VCF-style: chrX-40074556-G-A. GRCh37 (hg19) VCF-style: chrX-39933809-G-A.
Other names: c.790C>T, p.Pro264Ser (NM_001123383.2, NM_001123384.2, NM_017745.6); short protein forms P264S.
Identifiers: ClinVar variation 1338252 (VCV001338252.7), dbSNP rs1935688006, ClinGen allele CA412747972.